The following is an entry in ClinVar:

NM_005573.4(LMNB1):c.*691A>G

Gene: LMNB1 (lamin B1; plus strand). Cytogenetic location: 5q23.2.
Variant type: single nucleotide variant.
Coding change: c.*691A>G on transcript NM_005573.4 (MANE Select); 691 bases downstream of the stop codon, A replaced by G.
Molecular consequence: 3 prime UTR variant. On other transcripts: non-coding transcript variant (1).
Genome position (GRCh38, 1-based): chr5:126,836,955, A>G. VCF-style: chr5-126836955-A-G. GRCh37 (hg19) VCF-style: chr5-126172647-A-G.
Other names: c.*691A>G (NM_001198557.2).
Identifiers: ClinVar variation 350628 (VCV000350628.5), dbSNP rs77429268, ClinGen allele CA10620028.
Genomic context (GRCh38, chr5:126,836,955, plus strand): 5'-GGGAGGGAGGTGGAGGGAGGGAAGGGTTTCTCTATTAAAATGCATTCGTTGTGTTTTTTA[A>G]GATAGTGTAACTTGCTTAAATTTCTTATGTGACATTAACAAATAAAAAAGCTCTTTTAAT-3'

ClinVar aggregate classification (germline): Benign (1 of 4 stars; one submission).

Conditions:
Adult-onset autosomal dominant demyelinating leukodystrophy. Identifiers: Orphanet 99027, MedGen C1868512, MONDO:0008215.

Allele frequency attached by ClinVar (database versions not stated): 1000 Genomes Project 0.00260; 1000 Genomes Project 30x 0.00281; gnomAD 0.00356; TOPMed 0.00367; gnomAD exomes 0.00469.
gnomAD v4.1: 1,707 of 398,252 alleles (0.43%); highest among the groups gnomAD compares: Non-Finnish European, 0.61%; 9 homozygotes.

Submission:

Illumina Laboratory Services, Illumina
Classification: Benign for Leukodystrophy, demyelinating, adult-onset, autosomal dominant, typical. Last evaluated: 2018-01-13. Review status: criteria provided, single submitter. Criteria: ICSL Variant Classification Criteria 13 December 2019. Collection method: clinical testing. Allele origin: germline.
Comment: This variant was observed in the ICSL laboratory as part of a predisposition screen in an ostensibly healthy population. It had not been previously curated by ICSL or reported in the Human Gene Mutation Database (HGMD: prior to June 1st, 2018), and was therefore a candidate for classification through an automated scoring system. Utilizing variant allele frequency, disease prevalence and penetrance estimates, and inheritance mode, an automated score was calculated to assess if this variant is too frequent to cause the disease. Based on the score and internal cut-off values, a variant classified as benign is not then subjected to further curation. The score for this variant resulted in a classification of benign for this disease.